The following is an entry in ClinVar:

NM_001164508.2(NEB):c.19486A>G (p.Met6496Val)

Genes: NEB (nebulin; minus strand), LOC126806373 (BRD4-independent group 4 enhancer GRCh37_chr2:152410007-152411206; plus strand). Cytogenetic location: 2q23.3.
Variant type: single nucleotide variant.
Coding change: c.19486A>G on transcript NM_001164508.2 (MANE Select); coding-DNA position 19486, A replaced by G.
Protein change: p.Met6496Val; replaces methionine 6496 with valine.
Molecular consequence: missense variant.
Genome position (GRCh38, 1-based): chr2:151,553,968, T>C on the plus strand (A>G on the coding strand, the complement: NEB is on the minus strand). VCF-style: chr2-151553968-T-C. GRCh37 (hg19) VCF-style: chr2-152410482-T-C.
Other names: c.19486A>G, p.Met6496Val (NM_001164507.2, NM_001271208.2); c.14383A>G, p.Met4795Val (NM_004543.5); c.14383A>G (NM_004543.4); short protein forms M4795V, M6496V.
Identifiers: ClinVar variation 656657 (VCV000656657.8), dbSNP rs1354087086, ClinGen allele CA348791681.

ClinVar aggregate classification (germline): Uncertain significance. Review status: criteria provided, multiple submitters, no conflicts (2 of 4 stars). 3 submissions from 3 submitters: Uncertain significance (2). 1 of the submissions does not count toward it. Last evaluated 2022-10-25.

Conditions:
Nemaline myopathy 2 (NEM2). Also called: Nemaline myopathy 2, autosomal recessive. Identifiers: MedGen C1850569, MONDO:0009725, OMIM 256030.
Inborn genetic diseases. Identifiers: MedGen C0950123, MeSH D030342.

Allele frequency attached by ClinVar (database versions not stated): gnomAD exomes below 0.00001; gnomAD 0.00001; TOPMed 0.00001.
gnomAD v4.1: 3 of 1,613,788 alleles (0.00019%); highest among the groups gnomAD compares: Admixed American, 0.0017%; no homozygotes.

Submissions (3):

Labcorp Genetics (formerly Invitae), Labcorp
Classification: Uncertain significance for Nemaline myopathy 2. Last evaluated: 2022-10-25. Review status: criteria provided, single submitter. Criteria: Invitae Variant Classification Sherloc (09022015). Collection method: clinical testing. Allele origin: germline.
Comment: This sequence change replaces methionine, which is neutral and non-polar, with valine, which is neutral and non-polar, at codon 6496 of the NEB protein (p.Met6496Val). This variant is present in population databases (no rsID available, gnomAD 0.003%). This variant has not been reported in the literature in individuals affected with NEB-related conditions. ClinVar contains an entry for this variant (Variation ID: 656657). Algorithms developed to predict the effect of missense changes on protein structure and function are either unavailable or do not agree on the potential impact of this missense change (SIFT: "Deleterious"; PolyPhen-2: "Not Available"; Align-GVGD: "Class C0"). In summary, the available evidence is currently insufficient to determine the role of this variant in disease. Therefore, it has been classified as a Variant of Uncertain Significance.

Ambry Genetics
Classification: Uncertain significance for Inborn genetic diseases. Last evaluated: 2022-09-22. Review status: criteria provided, single submitter. Criteria: Ambry Variant Classification Scheme 2023. Collection method: clinical testing. Allele origin: germline.

Natera, Inc.
Classification: Uncertain significance for Nemaline myopathy type 2. Last evaluated: 2020-09-16. Review status: no assertion criteria provided. Collection method: clinical testing. Allele origin: germline. Not counted in ClinVar's aggregate classification.